The following is an entry in ClinVar:

NM_016592.5(GNAS):c.453G>A (p.Lys151=)

Genes: GNAS (GNAS complex locus; plus strand), GNAS-AS1 (GNAS antisense RNA 1; minus strand). Cytogenetic location: 20q13.32.
Variant type: single nucleotide variant.
Coding change: c.453G>A on transcript NM_016592.5 (MANE Plus Clinical); coding-DNA position 453, G replaced by A.
Protein change: p.Lys151=; no amino-acid change (lysine 151 retained).
Molecular consequence: synonymous variant. On other transcripts: 5 prime UTR variant (1).
Genome position (GRCh38, 1-based): chr20:58,840,559, G>A. VCF-style: chr20-58840559-G-A. GRCh37 (hg19) VCF-style: chr20-57415614-G-A.
Other names: c.-285G>A (NM_001410912.1).
Identifiers: ClinVar variation 3036067 (VCV003036067.2), dbSNP rs202237688, ClinGen allele CA9926336.
Genomic context (GRCh38, chr20:58,840,559, plus strand): 5'-CGCCCCCACCACTGAGCCCGAGACCGAGCCTGAAGACGATCGCGGCCCGGTGGTGCCCAA[G>A]CACTCCACCTTCGGCCAGTCCCTCACCCAGCGTCTGCACGCTCTCAAGTTGCGAAGCCCC-3'
Protein context (NP_057676.1, residues 141-161): PEDDRGPVVP[Lys151=]HSTFGQSLTQ

ClinVar aggregate classification (germline): Likely benign (0 of 4 stars; one submission).

Conditions:
GNAS-related disorder. Identifiers: MedGen CN380105.

Allele frequency attached by ClinVar (database versions not stated): gnomAD exomes 0.00001; gnomAD 0.00003; ExAC 0.00001; TOPMed 0.00002.
gnomAD v4.1: 10 of 1,612,984 alleles (0.00062%); highest among the groups gnomAD compares: African/African-American, 0.0013%; no homozygotes.

Submission:

PreventionGenetics, part of Exact Sciences
Classification: Likely benign for GNAS-related condition. Last evaluated: 2021-02-03. Review status: no assertion criteria provided. Collection method: clinical testing. Allele origin: germline.
Comment: This variant is classified as likely benign based on ACMG/AMP sequence variant interpretation guidelines (Richards et al. 2015 PMID: 25741868, with internal and published modifications).